The following is an entry in ClinVar:

ClinVar aggregate classification (germline): Likely pathogenic (1 of 4 stars; one submission).

Submission:

CeGaT Center for Human Genetics Tuebingen
Classification: Likely pathogenic. Last evaluated: 2025-02-01. Review status: criteria provided, single submitter. Criteria: CeGaT Center For Human Genetics Tuebingen Variant Classification Criteria Version 2. Collection method: clinical testing. Allele origin: germline. Affected: yes. Observed: 1 variant allele.
Comment: NCKAP1: PVS1:Strong, PM2

NM_013436.5(NCKAP1):c.790+1G>A

Gene: NCKAP1 (NCK associated protein 1; minus strand). Cytogenetic location: 2q32.1.
Variant type: single nucleotide variant.
Coding change: c.790+1G>A on transcript NM_013436.5 (MANE Select); the canonical splice donor site of the intron after coding-DNA position 790, G replaced by A.
Molecular consequence: splice donor variant.
Genome position (GRCh38, 1-based): chr2:182,994,838, C>T on the plus strand (G>A on the coding strand, the complement: NCKAP1 is on the minus strand). VCF-style: chr2-182994838-C-T. GRCh37 (hg19) VCF-style: chr2-183859566-C-T.
Other names: c.808+1G>A (NM_205842.3).
Identifiers: ClinVar variation 3771977 (VCV003771977.13).
Genomic context (GRCh38, chr2:182,994,838, plus strand): 5'-CTATTTTTCTCTAAAACATAAAGCCTGGGGAGTAATCATAACACTAACCCATTTTACTTA[C>T]AGATAATCCACTTTTCCATTGCATCCAAAGAGAGGTATTCACAAGGCATCTTAAAAAGAG-3'